The following is an entry in ClinVar:

ClinVar aggregate classification (germline): Likely pathogenic (1 of 4 stars; one submission).

Conditions:
Glycogen storage disease, type II (IOPD). Also called: CARDIOMEGALIA GLYCOGENICA DIFFUSA; GLYCOGENOSIS, GENERALIZED, CARDIAC FORM; GSD II; Pompe Disease; Glycogen storage disease type 2; Acid maltase deficiency disease. Identifiers: Orphanet 365, MedGen C0017921, MONDO:0009290, OMIM 232300.

gnomAD v4.1: 4 of 1,613,006 alleles (0.00025%); highest among the groups gnomAD compares: Non-Finnish European, 0.00034%; no homozygotes.

Submission:

Labcorp Genetics (formerly Invitae), Labcorp
Classification: Likely pathogenic for Glycogen storage disease, type II. Last evaluated: 2025-10-11. Review status: criteria provided, single submitter. Criteria: Invitae Variant Classification Sherloc (09022015). Collection method: clinical testing. Allele origin: germline.
Comment: This sequence change replaces arginine, which is basic and polar, with serine, which is neutral and polar, at codon 594 of the GAA protein (p.Arg594Ser). This variant is not present in population databases (gnomAD no frequency). This variant has not been reported in the literature in individuals affected with GAA-related conditions. Invitae Evidence Modeling of protein sequence and biophysical properties (such as structural, functional, and spatial information, amino acid conservation, physicochemical variation, residue mobility, and thermodynamic stability) indicates that this missense variant is expected to disrupt GAA protein function with a positive predictive value of 95%. This variant disrupts the p.Arg594 amino acid residue in GAA. Other variant(s) that disrupt this residue have been determined to be pathogenic (PMID: 19588081, 30564623). This suggests that this residue is clinically significant, and that variants that disrupt this residue are likely to be disease-causing. In summary, the currently available evidence indicates that the variant is pathogenic, but additional data are needed to prove that conclusively. Therefore, this variant has been classified as Likely Pathogenic.

Literature cited by the submitters: PubMed 19588081; PubMed 30564623.

NM_000152.5(GAA):c.1780C>A (p.Arg594Ser)

Gene: GAA (alpha glucosidase; plus strand). Cytogenetic location: 17q25.3.
Variant type: single nucleotide variant.
Coding change: c.1780C>A on transcript NM_000152.5 (MANE Select); coding-DNA position 1780, C replaced by A.
Protein change: p.Arg594Ser; replaces arginine 594 with serine.
Molecular consequence: missense variant.
Genome position (GRCh38, 1-based): chr17:80,112,603, C>A. VCF-style: chr17-80112603-C-A. GRCh37 (hg19) VCF-style: chr17-78086402-C-A.
Other names: c.1780C>A, p.Arg594Ser (NM_001079803.3, NM_001079804.3, NM_001406741.1 and 1 more transcripts); short protein forms R594S.
Identifiers: ClinVar variation 4761456 (VCV004761456.1).
Genomic context (GRCh38, chr17:80,112,603, plus strand): 5'-CCACACAGCCCTCACGGTGTCCCCCACCACCCCAGGGCGCTGGTGAAGGCTCGGGGGACA[C>A]GCCCATTTGTGATCTCCCGCTCGACCTTTGCTGGCCACGGCCGATACGCCGGCCACTGGA-3'
Protein context (NP_000143.2, residues 584-604): HRALVKARGT[Arg594Ser]PFVISRSTFA